The following is an entry in ClinVar:

ClinVar aggregate classification (germline): Likely pathogenic (1 of 4 stars; one submission).

Allele frequency attached by ClinVar (database versions not stated): gnomAD 0.00001.

Submission:

Labcorp Genetics (formerly Invitae), Labcorp
Classification: Likely pathogenic. Last evaluated: 2024-02-27. Review status: criteria provided, single submitter. Criteria: Invitae Variant Classification Sherloc (09022015). Collection method: clinical testing. Allele origin: germline.
Comment: This sequence change replaces glutamic acid, which is acidic and polar, with lysine, which is basic and polar, at codon 345 of the TYR protein (p.Glu345Lys). This variant is not present in population databases (gnomAD no frequency). This missense change has been observed in individual(s) with autosomal recessive ocular albinism (Invitae). In at least one individual the data is consistent with being in trans (on the opposite chromosome) from a pathogenic variant. ClinVar contains an entry for this variant (Variation ID: 1511337). Advanced modeling of protein sequence and biophysical properties (such as structural, functional, and spatial information, amino acid conservation, physicochemical variation, residue mobility, and thermodynamic stability) performed at Invitae indicates that this missense variant is expected to disrupt TYR protein function with a positive predictive value of 80%. In summary, the currently available evidence indicates that the variant is pathogenic, but additional data are needed to prove that conclusively. Therefore, this variant has been classified as Likely Pathogenic.

NM_000372.5(TYR):c.1033G>A (p.Glu345Lys)

Gene: TYR (tyrosinase; plus strand). Cytogenetic location: 11q14.3.
Variant type: single nucleotide variant.
Coding change: c.1033G>A on transcript NM_000372.5 (MANE Select); coding-DNA position 1033, G replaced by A.
Protein change: p.Glu345Lys; replaces glutamic acid 345 with lysine.
Molecular consequence: missense variant.
Genome position (GRCh38, 1-based): chr11:89,191,415, G>A. VCF-style: chr11-89191415-G-A. GRCh37 (hg19) VCF-style: chr11-88924583-G-A.
Other names: short protein forms E345K.
Identifiers: ClinVar variation 1511337 (VCV001511337.6), dbSNP rs1943444449, ClinGen allele CA382036113.
Genomic context (GRCh38, chr11:89,191,415, plus strand): 5'-ACCCAATATGAATCTGGTTCCATGGATAAAGCTGCCAATTTCAGCTTTAGAAATACACTG[G>A]AAGGTAATCTCTTTCTTTTCACTTTTAATTTTTTTTCTGAATTCATATTTACAGTCTCTT-3'
Protein context (NP_000363.1, residues 335-355): AANFSFRNTL[Glu345Lys]GFASPLTGIA